The following is an entry in ClinVar:

ClinVar aggregate classification (germline): Uncertain significance. Review status: criteria provided, multiple submitters, no conflicts (2 of 4 stars). 2 submissions from 2 submitters: Uncertain significance (2). Last evaluated 2026-01-09.

Conditions:
Spastic paraplegia. Identifiers: MedGen C0037772, HP:0001258.
Inborn genetic diseases. Identifiers: MedGen C0950123, MeSH D030342.

Allele frequency attached by ClinVar (database versions not stated): gnomAD 0.00001; gnomAD exomes 0.00001; TOPMed 0.00003.

Submissions (2):

Labcorp Genetics (formerly Invitae), Labcorp
Classification: Uncertain significance for Spastic paraplegia. Last evaluated: 2026-01-09. Review status: criteria provided, single submitter. Criteria: Invitae Variant Classification Sherloc (09022015). Collection method: clinical testing. Allele origin: germline.
Comment: This sequence change replaces aspartic acid, which is acidic and polar, with glutamic acid, which is acidic and polar, at codon 418 of the RTN2 protein (p.Asp418Glu). This variant is present in population databases (no rsID available, gnomAD 0.02%). This variant has not been reported in the literature in individuals affected with RTN2-related conditions. ClinVar contains an entry for this variant (Variation ID: 2174846). An algorithm developed to predict the effect of missense changes on protein structure and function (PolyPhen-2) suggests that this variant is likely to be disruptive. In summary, the available evidence is currently insufficient to determine the role of this variant in disease. Therefore, it has been classified as a Variant of Uncertain Significance.

Ambry Genetics
Classification: Uncertain significance for Inborn genetic diseases. Last evaluated: 2025-12-15. Review status: criteria provided, single submitter. Criteria: Ambry Variant Classification Scheme 2023. Collection method: clinical testing. Allele origin: germline.

NM_005619.5(RTN2):c.1254T>A (p.Asp418Glu)

Genes: OPA3-RTN2 (OPA3-RTN2 readthrough; minus strand), RTN2 (reticulon 2; minus strand). Cytogenetic location: 19q13.32.
Variant type: single nucleotide variant.
Coding change: c.1254T>A on transcript NM_005619.5 (MANE Select); coding-DNA position 1254, T replaced by A.
Protein change: p.Asp418Glu; replaces aspartic acid 418 with glutamic acid.
Molecular consequence: missense variant.
Genome position (GRCh38, 1-based): chr19:45,488,974, A>T on the plus strand (T>A on the coding strand, the complement: RTN2 is on the minus strand). VCF-style: chr19-45488974-A-T. GRCh37 (hg19) VCF-style: chr19-45992232-A-T.
Other names: c.1035T>A, p.Asp345Glu (NM_206900.3); c.234T>A, p.Asp78Glu (NM_206901.3); c.1254T>A (NM_005619.3); short protein forms D418E, D345E, D78E.
Identifiers: ClinVar variation 2174846 (VCV002174846.5), dbSNP rs983048029, ClinGen allele CA308949986.